The following is an entry in ClinVar:

ClinVar aggregate classification (germline): Uncertain significance (1 of 4 stars; one submission).

Conditions:
Cardiovascular phenotype. Identifiers: MedGen CN230736.

Submission:

Ambry Genetics
Classification: Uncertain significance for Cardiovascular phenotype. Last evaluated: 2025-03-29. Review status: criteria provided, single submitter. Criteria: Ambry Variant Classification Scheme 2023. Collection method: clinical testing. Allele origin: germline.
Comment: The p.T645A variant (also known as c.1933A>G), located in coding exon 11 of the CBL gene, results from an A to G substitution at nucleotide position 1933. The threonine at codon 645 is replaced by alanine, an amino acid with similar properties. This amino acid position is conserved. In addition, this alteration is predicted to be tolerated by in silico analysis. Since supporting evidence is limited at this time, the clinical significance of this alteration remains unclear.

NM_005188.4(CBL):c.1933A>G (p.Thr645Ala)

Gene: CBL (Cbl proto-oncogene; plus strand). Cytogenetic location: 11q23.3.
Variant type: single nucleotide variant.
Coding change: c.1933A>G on transcript NM_005188.4 (MANE Select); coding-DNA position 1933, A replaced by G.
Protein change: p.Thr645Ala; replaces threonine 645 with alanine.
Molecular consequence: missense variant.
Genome position (GRCh38, 1-based): chr11:119,285,558, A>G. VCF-style: chr11-119285558-A-G. GRCh37 (hg19) VCF-style: chr11-119156268-A-G.
Other names: short protein forms T645A.
Identifiers: ClinVar variation 1782915 (VCV001782915.3), dbSNP rs2135311051, ClinGen allele CA382921033.